The following is an entry in ClinVar:

NM_005428.4(VAV1):c.1718G>T (p.Gly573Val)

Gene: VAV1 (vav guanine nucleotide exchange factor 1; plus strand). Cytogenetic location: 19p13.3.
Variant type: single nucleotide variant.
Coding change: c.1718G>T on transcript NM_005428.4 (MANE Select); coding-DNA position 1718, G replaced by T.
Protein change: p.Gly573Val; replaces glycine 573 with valine.
Molecular consequence: missense variant.
Genome position (GRCh38, 1-based): chr19:6,833,720, G>T. VCF-style: chr19-6833720-G-T. GRCh37 (hg19) VCF-style: chr19-6833731-G-T.
Other names: c.1718G>T, p.Gly573Val (NM_001258206.2); c.1622G>T, p.Gly541Val (NM_001258207.2); short protein forms G573V, G541V.
Identifiers: ClinVar variation 2800651 (VCV002800651.3), dbSNP rs2512381391, ClinGen allele CA403629710.

ClinVar aggregate classification (germline): Uncertain significance (1 of 4 stars; one submission).

gnomAD v4.1: 1 of 1,614,102 alleles (0.000062%); highest among the groups gnomAD compares: Non-Finnish European, 0.000085%; no homozygotes.

Submission:

Labcorp Genetics (formerly Invitae), Labcorp
Classification: Uncertain significance. Last evaluated: 2023-09-22. Review status: criteria provided, single submitter. Criteria: Invitae Variant Classification Sherloc (09022015). Collection method: clinical testing. Allele origin: germline.
Comment: In summary, the available evidence is currently insufficient to determine the role of this variant in disease. Therefore, it has been classified as a Variant of Uncertain Significance. An algorithm developed to predict the effect of missense changes on protein structure and function (PolyPhen-2) suggests that this variant is likely to be tolerated. This variant has not been reported in the literature in individuals affected with VAV1-related conditions. This variant is not present in population databases (gnomAD no frequency). This sequence change replaces glycine, which is neutral and non-polar, with valine, which is neutral and non-polar, at codon 573 of the VAV1 protein (p.Gly573Val).